The following is an entry in ClinVar:

NM_003970.4(MYOM2):c.656C>T (p.Ala219Val)

Gene: MYOM2 (myomesin 2; plus strand). Cytogenetic location: 8p23.3.
Variant type: single nucleotide variant.
Coding change: c.656C>T on transcript NM_003970.4 (MANE Select); coding-DNA position 656, C replaced by T.
Protein change: p.Ala219Val; replaces alanine 219 with valine.
Molecular consequence: missense variant.
Genome position (GRCh38, 1-based): chr8:2,069,280, C>T. VCF-style: chr8-2069280-C-T. GRCh37 (hg19) VCF-style: chr8-2017399-C-T.
Other names: short protein forms A219V.
Identifiers: ClinVar variation 3055406 (VCV003055406.2), dbSNP rs34823600, ClinGen allele CA170446333.

ClinVar aggregate classification (germline): Benign (0 of 4 stars; one submission).

Conditions:
MYOM2-related disorder. Also called: MYOM2-related condition.

Allele frequency attached by ClinVar (database versions not stated): ESP Exome Variant Server 0.00892; gnomAD 0.00980; TOPMed 0.01125; 1000 Genomes Project 30x 0.01280; ExAC 0.01288; 1000 Genomes Project 0.01318; gnomAD exomes 0.01378.
gnomAD v4.1: 21,561 of 1,609,904 alleles (1.3%); highest among the groups gnomAD compares: East Asian, 3.3%; 214 homozygotes.

Submission:

PreventionGenetics, part of Exact Sciences
Classification: Benign for MYOM2-related condition. Last evaluated: 2019-03-14. Review status: no assertion criteria provided. Collection method: clinical testing. Allele origin: germline.
Comment: This variant is classified as benign based on ACMG/AMP sequence variant interpretation guidelines (Richards et al. 2015 PMID: 25741868, with internal and published modifications).